The following is an entry in ClinVar:

NM_004385.5(VCAN):c.7446C>A (p.Phe2482Leu)

Genes: VCAN (versican; plus strand), VCAN-AS1 (VCAN antisense RNA 1; minus strand). Cytogenetic location: 5q14.3.
Variant type: single nucleotide variant.
Coding change: c.7446C>A on transcript NM_004385.5 (MANE Select); coding-DNA position 7446, C replaced by A.
Protein change: p.Phe2482Leu; replaces phenylalanine 2482 with leucine.
Molecular consequence: missense variant. On other transcripts: intron variant (2).
Genome position (GRCh38, 1-based): chr5:83,540,449, C>A. VCF-style: chr5-83540449-C-A. GRCh37 (hg19) VCF-style: chr5-82836268-C-A.
Other names: c.4485C>A, p.Phe1495Leu (NM_001164097.2); c.4004-5088C>A (NM_001164098.2); c.1043-5088C>A (NM_001126336.3); c.7446C>A (NM_004385.4); short protein forms F1495L, F2482L.
Identifiers: ClinVar variation 1719357 (VCV001719357.6), dbSNP rs2479118823, ClinGen allele CA360314756.

ClinVar aggregate classification (germline): Uncertain significance. Review status: criteria provided, multiple submitters, no conflicts (2 of 4 stars). 2 submissions from 2 submitters: Uncertain significance (2). Last evaluated 2025-04-30.

Conditions:
Inborn genetic diseases. Identifiers: MedGen C0950123, MeSH D030342.

gnomAD v4.1: 1 of 1,613,916 alleles (0.000062%); highest among the groups gnomAD compares: Non-Finnish European, 0.000085%; no homozygotes.

Submissions (2):

Ambry Genetics
Classification: Uncertain significance for Inborn genetic diseases. Last evaluated: 2025-04-30. Review status: criteria provided, single submitter. Criteria: Ambry Variant Classification Scheme 2023. Collection method: clinical testing. Allele origin: germline.

Labcorp Genetics (formerly Invitae), Labcorp
Classification: Uncertain significance. Last evaluated: 2024-10-24. Review status: criteria provided, single submitter. Criteria: Invitae Variant Classification Sherloc (09022015). Collection method: clinical testing. Allele origin: germline.
Comment: This sequence change replaces phenylalanine, which is neutral and non-polar, with leucine, which is neutral and non-polar, at codon 2482 of the VCAN protein (p.Phe2482Leu). This variant is not present in population databases (gnomAD no frequency). This variant has not been reported in the literature in individuals affected with VCAN-related conditions. ClinVar contains an entry for this variant (Variation ID: 1719357). An algorithm developed to predict the effect of missense changes on protein structure and function outputs the following: PolyPhen-2: "Benign". The leucine amino acid residue is found in multiple mammalian species, which suggests that this missense change does not adversely affect protein function. In summary, the available evidence is currently insufficient to determine the role of this variant in disease. Therefore, it has been classified as a Variant of Uncertain Significance.